The following is an entry in ClinVar:

NM_001035.3(RYR2):c.1215G>T (p.Leu405Phe)

Gene: RYR2 (ryanodine receptor 2; plus strand). Cytogenetic location: 1q43.
Variant type: single nucleotide variant.
Coding change: c.1215G>T on transcript NM_001035.3 (MANE Select); coding-DNA position 1215, G replaced by T.
Protein change: p.Leu405Phe; replaces leucine 405 with phenylalanine.
Molecular consequence: missense variant.
Genome position (GRCh38, 1-based): chr1:237,445,445, G>T. VCF-style: chr1-237445445-G-T. GRCh37 (hg19) VCF-style: chr1-237608745-G-T.
Other names: short protein forms L405F.
Identifiers: ClinVar variation 3894660 (VCV003894660.2).
Genomic context (GRCh38, chr1:237,445,445, plus strand): 5'-TTTTGCTTTCTTACAGGCTATTATGCATCATGAAGGCCACATGGATGATGGCATAAGTTT[G>T]TCGAGATCCCAGCATGAAGAATCACGCACAGCCCGAGTTATCCGGAGCACAGTCTTCCTT-3'
Protein context (NP_001026.2, residues 395-415): HEGHMDDGIS[Leu405Phe]SRSQHEESRT

ClinVar aggregate classification (germline): Uncertain significance. Review status: criteria provided, multiple submitters, no conflicts (2 of 4 stars). 2 submissions from 2 submitters: Uncertain significance (2). Last evaluated 2026-02-03.

Conditions:
Cardiovascular phenotype. Identifiers: MedGen CN230736.
Catecholaminergic polymorphic ventricular tachycardia 1. Also called: VENTRICULAR TACHYCARDIA, STRESS-INDUCED POLYMORPHIC 1; VENTRICULAR TACHYCARDIA, CATECHOLAMINERGIC POLYMORPHIC, 1, WITH OR WITHOUT ATRIAL DYSFUNCTION AND/OR DILATED CARDIOMYOPATHY; RYR2-Related Catecholaminergic Polymorphic Ventricular Tachycardia. Identifiers: Orphanet 3286, MedGen C1631597, MONDO:0011484, OMIM 604772.

Submissions (2):

Labcorp Genetics (formerly Invitae), Labcorp
Classification: Uncertain significance for Catecholaminergic polymorphic ventricular tachycardia 1. Last evaluated: 2026-02-03. Review status: criteria provided, single submitter. Criteria: Invitae Variant Classification Sherloc (09022015). Collection method: clinical testing. Allele origin: germline.
Comment: This sequence change replaces leucine, which is neutral and non-polar, with phenylalanine, which is neutral and non-polar, at codon 405 of the RYR2 protein (p.Leu405Phe). This variant is not present in population databases (gnomAD no frequency). This variant has not been reported in the literature in individuals affected with RYR2-related conditions. ClinVar contains an entry for this variant (Variation ID: 3894660). Invitae Evidence Modeling of protein sequence and biophysical properties (such as structural, functional, and spatial information, amino acid conservation, physicochemical variation, residue mobility, and thermodynamic stability) has been performed for this missense variant. However, the output from this modeling did not meet the statistical confidence thresholds required to predict the impact of this variant on RYR2 protein function. In summary, the available evidence is currently insufficient to determine the role of this variant in disease. Therefore, it has been classified as a Variant of Uncertain Significance.

Molecular Diagnostic Laboratory for Inherited Cardiovascular Disease, Montreal Heart Institute
Classification: Uncertain significance for Cardiovascular phenotype. Last evaluated: 2025-04-09. Review status: criteria provided, single submitter. Criteria: ACMG Guidelines, 2015. Collection method: clinical testing. Allele origin: germline. Affected: yes.
Comment: PM1, PM2, PP2, BP5